The following is an entry in ClinVar:

ClinVar aggregate classification (germline): Likely pathogenic. Review status: criteria provided, multiple submitters, no conflicts (2 of 4 stars). 3 submissions from 3 submitters: Likely pathogenic (2). 1 of the submissions does not count toward it. Last evaluated 2025-07-21.

Conditions:
Wilson disease (WND). Also called: Wilson's disease. Identifiers: Orphanet 905, MedGen C0019202, MONDO:0010200, OMIM 277900. Disease mechanism: loss of function.

Allele frequency attached by ClinVar (database versions not stated): gnomAD exomes below 0.00001.
gnomAD v4.1: 1 of 1,613,718 alleles (0.000062%); highest among the groups gnomAD compares: South Asian, 0.0011%; no homozygotes.

Submissions (3):

Women's Health and Genetics/Laboratory Corporation of America, LabCorp
Classification: Likely pathogenic for Wilson disease. Last evaluated: 2025-07-21. Review status: criteria provided, single submitter. Criteria: LabCorp Variant Classification Summary - May 2015. Collection method: clinical testing. Allele origin: germline.
Comment: Variant summary: ATP7B c.2120A>G (p.Gln707Arg) results in a conservative amino acid change in the encoded protein sequence. Algorithms developed to predict the effect of missense changes on protein structure and function are either unavailable or do not agree on the potential impact of this missense change. Several computational tools predict a significant impact on normal splicing: Three predict the variant abolishes a 5' splicing donor site. One predicts the variant weakens a 5' donor site. Four predict the variant abolishes a cryptic 3' acceptor site. However, these predictions have yet to be confirmed by functional studies. The variant was absent in 249170 control chromosomes. c.2120A>G has been observed in the presumed compound heterozygous state in multiple individual(s) affected with Wilson Disease (example, Zhang_2022, Hou_2021). These data indicate that the variant is likely to be associated with disease. To our knowledge, no experimental evidence demonstrating an impact on protein function has been reported. The following publications have been ascertained in the context of this evaluation (PMID: 34470610, 36112267, 37020998, 21796144, 25089800, 39178787, 35220961, 39502306, 31059521, 33816683). ClinVar contains an entry for this variant (Variation ID: 2736046). Based on the evidence outlined above, the variant was classified as likely pathogenic.

Labcorp Genetics (formerly Invitae), Labcorp
Classification: Likely pathogenic for Wilson disease. Last evaluated: 2024-01-11. Review status: criteria provided, single submitter. Criteria: Invitae Variant Classification Sherloc (09022015). Collection method: clinical testing. Allele origin: germline.
Comment: This sequence change replaces glutamine, which is neutral and polar, with arginine, which is basic and polar, at codon 707 of the ATP7B protein (p.Gln707Arg). This variant is not present in population databases (gnomAD no frequency). This missense change has been observed in individuals with clinical features of Wilson disease (PMID: 21796144, 35220961). An algorithm developed to predict the effect of missense changes on protein structure and function (PolyPhen-2) suggests that this variant is likely to be disruptive. Algorithms developed to predict the effect of sequence changes on RNA splicing suggest that this variant may disrupt the consensus splice site. In summary, the currently available evidence indicates that the variant is pathogenic, but additional data are needed to prove that conclusively. Therefore, this variant has been classified as Likely Pathogenic.

ARUP Laboratories, Molecular Genetics and Genomics, ARUP Laboratories
Classification: Uncertain significance for Wilson disease. Last evaluated: 2023-02-27. Review status: flagged submission. Criteria: ARUP Molecular Germline Variant Investigation Process 2024. Collection method: clinical testing. Allele origin: germline. Not counted in ClinVar's aggregate classification.
Comment: The ATP7B c.2120A>G; p.Gln707Arg variant is reported in an individual with Wilson disease (Wang 2011). This variant is absent from the Genome Aggregation Database, indicating it is not a common polymorphism. Computational analyses predict that this variant is deleterious (REVEL: 0.95). Due to limited information, the clinical significance of this variant is uncertain at this time. References: Wang LH et al. Mutation analysis of 73 southern Chinese Wilson's disease patients: identification of 10 novel mutations and its clinical correlation. J Hum Genet. 2011 Sep;56(9):660-5. PMID: 21796144.
ClinVar note: Reason: Older claim that does not account for recent evidence

Literature cited by the submitters: PubMed 21796144 (cited by Women's Health and Genetics/Laboratory Corporation of America, LabCorp and Labcorp Genetics (formerly Invitae), Labcorp); PubMed 25089800 (cited by Women's Health and Genetics/Laboratory Corporation of America, LabCorp); PubMed 31059521 (cited by Women's Health and Genetics/Laboratory Corporation of America, LabCorp); PubMed 34470610 (cited by Women's Health and Genetics/Laboratory Corporation of America, LabCorp); PubMed 36112267 (cited by Women's Health and Genetics/Laboratory Corporation of America, LabCorp); PubMed 35220961 (cited by Women's Health and Genetics/Laboratory Corporation of America, LabCorp and Labcorp Genetics (formerly Invitae), Labcorp); PubMed 37020998 (cited by Women's Health and Genetics/Laboratory Corporation of America, LabCorp); PubMed 39178787 (cited by Women's Health and Genetics/Laboratory Corporation of America, LabCorp); PubMed 39502306 (cited by Women's Health and Genetics/Laboratory Corporation of America, LabCorp); PubMed 33816683 (cited by Women's Health and Genetics/Laboratory Corporation of America, LabCorp).

NM_000053.4(ATP7B):c.2120A>G (p.Gln707Arg)

Gene: ATP7B (ATPase copper transporting beta; minus strand). Cytogenetic location: 13q14.3.
Variant type: single nucleotide variant.
Coding change: c.2120A>G on transcript NM_000053.4 (MANE Select); coding-DNA position 2120, A replaced by G.
Protein change: p.Gln707Arg; replaces glutamine 707 with arginine.
Molecular consequence: missense variant. On other transcripts: intron variant (13).
Genome position (GRCh38, 1-based): chr13:51,960,149, T>C on the plus strand (A>G on the coding strand, the complement: ATP7B is on the minus strand). VCF-style: chr13-51960149-T-C. GRCh37 (hg19) VCF-style: chr13-52534285-T-C.
Other names: c.1787A>G, p.Gln596Arg (NM_001243182.2); c.2120A>G, p.Gln707Arg (NM_001330578.2, NM_001406511.1, NM_001406512.1 and 16 more transcripts); c.2087A>G, p.Gln696Arg (NM_001406514.1, NM_001406524.1); c.2024A>G, p.Gln675Arg (NM_001406517.1, NM_001406518.1, NM_001406530.1 and 1 more transcripts); c.1691A>G, p.Gln564Arg (NM_001406539.1); c.1870-2542A>G (NM_001406541.1, NM_001005918.3, NM_001406546.1 and 1 more transcripts); c.1870-1605A>G (NM_001406531.1, NM_001406532.1, NM_001406540.1 and 1 more transcripts); c.1774-1605A>G (NM_001406543.1); and 3 more; short protein forms Q564R, Q675R, Q696R, Q707R, Q596R.
Identifiers: ClinVar variation 2736046 (VCV002736046.6), dbSNP rs2547724461, ClinGen allele CA388024031.